The following is an entry in ClinVar:

NM_000059.4(BRCA2):c.4339del (p.Ile1446_Val1447insTer)

Gene: BRCA2 (BRCA2 DNA repair associated; plus strand). Cytogenetic location: 13q13.1.
Variant type: Deletion.
Coding change: c.4339del on transcript NM_000059.4 (MANE Select); coding-DNA position 4339, one base deleted (G; older notation c.4339delG).
Protein change: p.Ile1446_Val1447insTer.
Molecular consequence: nonsense.
Genome position (GRCh38, 1-based): chr13:32,338,694, G deleted. VCF-style (leftmost placement, unchanged base first): chr13-32338693-TG-T. GRCh37 (hg19) VCF-style: chr13-32912830-TG-T.
Other names: 4567delG; c.4339delG (NM_000059.3).
Identifiers: ClinVar variation 51634 (VCV000051634.27), dbSNP rs80359443, ClinGen allele CA020014.

ClinVar aggregate classification (germline): Pathogenic. Review status: reviewed by expert panel (3 of 4 stars). 5 submissions from 5 submitters: Pathogenic (1). 4 of the submissions do not count toward it. Last evaluated 2016-09-08.

Conditions:
Gastric cancer. Also called: Stomach cancer; Malignant tumor of stomach. Identifiers: MedGen C0024623, MeSH D013274, MONDO:0001056, OMIM 613659, HP:0012126.
Hereditary cancer-predisposing syndrome. Also called: Hereditary Cancer Syndrome; Neoplastic Syndromes, Hereditary; Hereditary neoplastic syndrome; Tumor predisposition. Identifiers: Orphanet 140162, MedGen C0027672, MeSH D009386, MONDO:0015356.
Hereditary breast ovarian cancer syndrome. Also called: Hereditary breast and ovarian cancer syndrome; Breast and ovarian cancer; BRCA1- and BRCA2-Associated Hereditary Breast and Ovarian Cancer; Hereditary breast and/or ovarian cancer syndrome; Hereditary breast and ovarian cancer; Hereditary breast and ovarian cancer syndrome (HBOC). Identifiers: Orphanet 145, MedGen C0677776, MeSH D061325, MONDO:0003582. Disease mechanism: loss of function.
Breast-ovarian cancer, familial, susceptibility to, 2 (BROVCA2). Also called: BRCA2 Hereditary Breast and Ovarian Cancer. Identifiers: Orphanet 145, MedGen C2675520, MONDO:0012933, OMIM 612555. Disease mechanism: loss of function.

Submissions (5):

Evidence-based Network for the Interpretation of Germline Mutant Alleles (ENIGMA)
Classification: Pathogenic for Breast-ovarian cancer, familial, susceptibility to, 2. Last evaluated: 2016-09-08. Review status: reviewed by expert panel. Criteria: ENIGMA BRCA1/2 Classification Criteria (2015). Collection method: curation. Allele origin: germline.
Comment: Variant allele predicted to encode a truncated non-functional protein.

Labcorp Genetics (formerly Invitae), Labcorp
Classification: Pathogenic for Hereditary breast ovarian cancer syndrome. Last evaluated: 2025-04-06. Review status: criteria provided, single submitter. Criteria: Invitae Variant Classification Sherloc (09022015). Collection method: clinical testing. Allele origin: germline. Not counted in ClinVar's aggregate classification.
Comment: This sequence change creates a premature translational stop signal (p.Val1447*) in the BRCA2 gene. It is expected to result in an absent or disrupted protein product. Loss-of-function variants in BRCA2 are known to be pathogenic (PMID: 20104584). This variant is not present in population databases (gnomAD no frequency). This premature translational stop signal has been observed in individual(s) with ovarian cancer and/or prostate cancer (PMID: 11595708, 31214711). ClinVar contains an entry for this variant (Variation ID: 51634). For these reasons, this variant has been classified as Pathogenic.

Color Diagnostics, LLC DBA Color Health
Classification: Pathogenic for Hereditary cancer-predisposing syndrome. Last evaluated: 2019-12-12. Review status: criteria provided, single submitter. Criteria: ACMG Guidelines, 2015. Collection method: clinical testing. Allele origin: germline. Not counted in ClinVar's aggregate classification.
Comment: This variant deletes 1 nucleotide in exon 11 of the BRCA2 gene, creating a frameshift and premature translation stop signal. This variant is expected to result in an absent or non-functional protein product. Splice site prediction tools suggest that this variant may not impact RNA splicing. To our knowledge, functional studies have not been performed for this variant. This variant has been reported in an individual affected with ovarian cancer (PMID: 11595708). This variant has not been identified in the general population by the Genome Aggregation Database (gnomAD). Loss of BRCA2 function is a known mechanism of disease. Based on the available evidence, this variant is classified as Pathogenic.

Laboratory for Genotyping Development, RIKEN
Classification: Pathogenic for Gastric cancer. Last evaluated: 2021-07-01. Review status: no assertion criteria provided. Collection method: research. Allele origin: germline. Not counted in ClinVar's aggregate classification.

Breast Cancer Information Core (BIC) (BRCA2)
Classification: Pathogenic for Breast-ovarian cancer, familial 2. Review status: no assertion criteria provided. Collection method: clinical testing. Allele origin: germline. Affected: yes. Observed: 1 variant allele. Not counted in ClinVar's aggregate classification.

Literature cited by the submitters: PubMed 20104584 (cited by Labcorp Genetics (formerly Invitae), Labcorp); PubMed 11595708 (cited by Labcorp Genetics (formerly Invitae), Labcorp); PubMed 31214711 (cited by Labcorp Genetics (formerly Invitae), Labcorp); PubMed 36988593 (cited by Laboratory for Genotyping Development, RIKEN).